The following is an entry in ClinVar:

ClinVar aggregate classification (germline): Uncertain significance (1 of 4 stars; one submission).

Conditions:
Inborn genetic diseases. Identifiers: MedGen C0950123, MeSH D030342.

Submission:

Ambry Genetics
Classification: Uncertain significance for Inborn genetic diseases. Last evaluated: 2024-11-23. Review status: criteria provided, single submitter. Criteria: Ambry Variant Classification Scheme 2023. Collection method: clinical testing. Allele origin: germline.
Comment: The p.P35L variant (also known as c.104C>T), located in coding exon 1 of the G6PC3 gene, results from a C to T substitution at nucleotide position 104. The proline at codon 35 is replaced by leucine, an amino acid with similar properties. This amino acid position is conserved. In addition, this alteration is predicted to be deleterious by in silico analysis. Based on the available evidence, the clinical significance of this variant remains unclear.

NM_138387.4(G6PC3):c.104C>T (p.Pro35Leu)

Genes: G6PC3 (glucose-6-phosphatase catalytic subunit 3; plus strand), LOC130060959 (ATAC-STARR-seq lymphoblastoid active region 12250; plus strand). Cytogenetic location: 17q21.31.
Variant type: single nucleotide variant.
Coding change: c.104C>T on transcript NM_138387.4 (MANE Select); coding-DNA position 104, C replaced by T.
Protein change: p.Pro35Leu; replaces proline 35 with leucine.
Molecular consequence: missense variant. On other transcripts: 5 prime UTR variant (3), intron variant (1).
Genome position (GRCh38, 1-based): chr17:44,071,069, C>T. VCF-style: chr17-44071069-C-T. GRCh37 (hg19) VCF-style: chr17-42148437-C-T.
Other names: c.104C>T, p.Pro35Leu (NM_001319945.2); c.-301C>T (NM_001384165.1); c.-436C>T (NM_001384166.1); c.-426C>T (NM_001384167.1); c.-312+355C>T (NM_001384168.1); short protein forms P35L.
Identifiers: ClinVar variation 3518053 (VCV003518053.1).